The following is an entry in ClinVar:

NM_003737.4(DCHS1):c.5846_5847delinsTA (p.Thr1949Ile)

Gene: DCHS1 (dachsous cadherin-related 1; minus strand). Cytogenetic location: 11p15.4.
Variant type: Indel.
Coding change: c.5846_5847delinsTA on transcript NM_003737.4 (MANE Select); coding-DNA positions 5846 to 5847, CG replaced by TA.
Protein change: p.Thr1949Ile; replaces threonine 1949 with isoleucine.
Molecular consequence: missense variant.
Genome position (GRCh38, 1-based): chr11:6,627,192-6,627,193, CG replaced by TA on the plus strand (CG replaced by TA on the coding strand, the reverse complement: DCHS1 is on the minus strand). VCF-style: chr11-6627192-CG-TA. GRCh37 (hg19) VCF-style: chr11-6648423-CG-TA.
Other names: short protein forms T1949I.
Identifiers: ClinVar variation 4722059 (VCV004722059.1).

ClinVar aggregate classification (germline): Uncertain significance (1 of 4 stars; one submission).

Submission:

Labcorp Genetics (formerly Invitae), Labcorp
Classification: Uncertain significance. Last evaluated: 2025-06-24. Review status: criteria provided, single submitter. Criteria: Invitae Variant Classification Sherloc (09022015). Collection method: clinical testing. Allele origin: germline.
Comment: This sequence change replaces threonine, which is neutral and polar, with isoleucine, which is neutral and non-polar, at codon 1949 of the DCHS1 protein (p.Thr1949Ile). Information on the frequency of this variant in the gnomAD database is not available, as this variant may be reported differently in the database. This variant has not been reported in the literature in individuals affected with DCHS1-related conditions. An algorithm developed to predict the effect of missense changes on protein structure and function (PolyPhen-2) suggests that this variant is likely to be tolerated. In summary, the available evidence is currently insufficient to determine the role of this variant in disease. Therefore, it has been classified as a Variant of Uncertain Significance.